The following is an entry in ClinVar:

ClinVar aggregate classification (germline): Uncertain significance (1 of 4 stars; one submission).

Submission:

Labcorp Genetics (formerly Invitae), Labcorp
Classification: Uncertain significance. Last evaluated: 2023-09-15. Review status: criteria provided, single submitter. Criteria: Invitae Variant Classification Sherloc (09022015). Collection method: clinical testing. Allele origin: germline.
Comment: This sequence change replaces asparagine, which is neutral and polar, with lysine, which is basic and polar, at codon 129 of the IRF2BPL protein (p.Asn129Lys). This variant is not present in population databases (gnomAD no frequency). This variant has not been reported in the literature in individuals affected with IRF2BPL-related conditions. Advanced modeling of protein sequence and biophysical properties (such as structural, functional, and spatial information, amino acid conservation, physicochemical variation, residue mobility, and thermodynamic stability) performed at Invitae indicates that this missense variant is not expected to disrupt IRF2BPL protein function. In summary, the available evidence is currently insufficient to determine the role of this variant in disease. Therefore, it has been classified as a Variant of Uncertain Significance.

NM_024496.4(IRF2BPL):c.387C>G (p.Asn129Lys)

Gene: IRF2BPL (interferon regulatory factor 2 binding protein like; minus strand). Cytogenetic location: 14q24.3.
Variant type: single nucleotide variant.
Coding change: c.387C>G on transcript NM_024496.4 (MANE Select); coding-DNA position 387, C replaced by G.
Protein change: p.Asn129Lys; replaces asparagine 129 with lysine.
Molecular consequence: missense variant.
Genome position (GRCh38, 1-based): chr14:77,027,406, G>C on the plus strand (C>G on the coding strand, the complement: IRF2BPL is on the minus strand). VCF-style: chr14-77027406-G-C. GRCh37 (hg19) VCF-style: chr14-77493749-G-C.
Other names: short protein forms N129K.
Identifiers: ClinVar variation 2761001 (VCV002761001.3), dbSNP rs767883776, ClinGen allele CA390499474.
Genomic context (GRCh38, chr14:77,027,406, plus strand): 5'-GTAGCGCTCCAGGCCAGACGGGGCCGCCAGCACCGCAGGCTTGCTGGAACCATCAACGTG[G>C]TTGAGCTGTTGTTGCTGCTGCTGCTGCTGCTGCTGCTGCTGCTGTTGCTGCTGCTGCTGC-3'
Protein context (NP_078772.1, residues 119-139): QQQQQQQQQL[Asn129Lys]HVDGSSKPAV